The following is an entry in ClinVar:

ClinVar aggregate classification (germline): Uncertain significance (1 of 4 stars; one submission).

gnomAD v4.1: 11 of 1,613,622 alleles (0.00068%); highest among the groups gnomAD compares: Non-Finnish European, 0.00093%; no homozygotes.

Submission:

GeneDx
Classification: Uncertain significance. Last evaluated: 2025-02-07. Review status: criteria provided, single submitter. Criteria: GeneDx Variant Classification Process June 2021. Collection method: clinical testing. Allele origin: germline. Affected: yes.
Comment: Not observed at significant frequency in large population cohorts (gnomAD); Has not been previously published as pathogenic or benign to our knowledge; In silico analysis is inconclusive as to whether the variant alters gene splicing. In the absence of RNA/functional studies, the actual effect of this sequence change is unknown.

NM_182916.3(TRNT1):c.148+5G>C

Gene: TRNT1 (tRNA nucleotidyl transferase 1; plus strand). Cytogenetic location: 3p26.2.
Variant type: single nucleotide variant.
Coding change: c.148+5G>C on transcript NM_182916.3 (MANE Select); 5 bases into the intron after coding-DNA position 148, G replaced by C.
Molecular consequence: intron variant.
Genome position (GRCh38, 1-based): chr3:3,129,193, G>C. VCF-style: chr3-3129193-G-C. GRCh37 (hg19) VCF-style: chr3-3170877-G-C.
Other names: c.148+5G>C (NM_001367321.1, NM_001367323.1, NM_001367322.1 and 1 more transcripts).
Identifiers: ClinVar variation 4074524 (VCV004074524.1).